The following is an entry in ClinVar:

NM_000062.3(SERPING1):c.874G>C (p.Ala292Pro)

Gene: SERPING1 (serpin family G member 1; plus strand). Cytogenetic location: 11q12.1.
Variant type: single nucleotide variant.
Coding change: c.874G>C on transcript NM_000062.3 (MANE Select); coding-DNA position 874, G replaced by C.
Protein change: p.Ala292Pro; replaces alanine 292 with proline.
Molecular consequence: missense variant.
Genome position (GRCh38, 1-based): chr11:57,606,198, G>C. VCF-style: chr11-57606198-G-C. GRCh37 (hg19) VCF-style: chr11-57373671-G-C.
Other names: c.874G>C, p.Ala292Pro (NM_001032295.2); short protein forms A292P.
Identifiers: ClinVar variation 3338022 (VCV003338022.2).

ClinVar aggregate classification (germline): Likely pathogenic (1 of 4 stars; one submission).

Conditions:
Hereditary angioedema type 1 (HAE1). Identifiers: Orphanet 100050, Orphanet 100051, Orphanet 91378, MedGen C2717906, MONDO:0015053, OMIM 106100.

Submission:

DNA-diagnostics Laboratory, Research Centre For Medical Genetics
Classification: Likely pathogenic for Hereditary angioedema type 1. Last evaluated: 2024-07-15. Review status: criteria provided, single submitter. Criteria: ACMG Guidelines, 2015. Collection method: research. Allele origin: germline. Inheritance: Autosomal dominant inheritance. Affected: yes. Observed: 4 variant alleles, 4 heterozygotes.
Comment: The pathogenic or likely pathogenic SERPING1 gene variants are detected in >90% of the HAE1/2 families and in >80% of the total HAE families (e.g., DOI: 10.1016/j.molimm.2008.05.007, 10.1159/2F000138883, 10.1016/j.molimm.2011.07.010). Such in silico algorithms as BayesDel, MutPred, REVEL support a deleterious effect of the c.874G>C variant with Moderate evidence of pathogenicity, when choosing at least two identical assessments and using the threshold ranges from ClinGen recommendations (DOI: 10.1016/j.ajhg.2022.10.013). In summary, the c.874G>C variant in SERPING1 meets ACMG/ClinGen SVI guidance criteria to be classified as likely pathogenic: PP4_Str, PP3_Mod, PM2_Sup, PP2, PP1